The following is an entry in ClinVar:

ClinVar aggregate classification (germline): Likely pathogenic (1 of 4 stars; one submission).

Conditions:
Autosomal recessive polycystic kidney disease (ARPKD). Also called: AR polycystic kidney disease. Identifiers: Orphanet 731, Orphanet 8378, MedGen C0085548, MeSH D017044, MONDO:0009889.

Submission:

Natera, Inc.
Classification: Likely pathogenic for Autosomal recessive polycystic kidney disease. Last evaluated: 2024-08-23. Review status: criteria provided, single submitter. Criteria: Natera Variant Classification Schema (03/2026). Collection method: clinical testing. Allele origin: germline.
Comment: The c.1659G>A variant in PKHD1 is a nonsense variant predicted to introduce a stop codon at amino acid 553. This variant is expected to result in nonsense mediated decay, truncation, or a dysfunctional protein product. This variant is rare in the general population with a frequency below the threshold expected for the associated phenotype(s). Given the available evidence, this variant is classified as Likely Pathogenic.

NM_138694.4(PKHD1):c.1659G>A (p.Trp553Ter)

Gene: PKHD1 (PKHD1 ciliary IPT domain containing fibrocystin/polyductin; minus strand). Cytogenetic location: 6p12.2.
Variant type: single nucleotide variant.
Coding change: c.1659G>A on transcript NM_138694.4 (MANE Select); coding-DNA position 1659, G replaced by A.
Protein change: p.Trp553Ter; replaces tryptophan 553 with a stop codon.
Molecular consequence: nonsense.
Genome position (GRCh38, 1-based): chr6:52,056,732, C>T on the plus strand (G>A on the coding strand, the complement: PKHD1 is on the minus strand). VCF-style: chr6-52056732-C-T. GRCh37 (hg19) VCF-style: chr6-51921530-C-T.
Other names: c.1659G>A, p.Trp553Ter (NM_170724.3); short protein forms W553*.
Identifiers: ClinVar variation 4816586 (VCV004816586.1).
Genomic context (GRCh38, chr6:52,056,732, plus strand): 5'-AATCAGAATGAAGCCACGGACAGCACCTCGTTCAAATCCAAGCCGGAGAAGGATGTTAGA[C>T]CAAAGGGGTTCCAGTTTGCATTTTACTGCAAGTAACTCCTCAATGGTTGTTTGAATCTAT-3'